The following is an entry in ClinVar:

NM_001270974.2(HYDIN):c.6037A>G (p.Ser2013Gly)

Gene: HYDIN (HYDIN axonemal central pair apparatus protein; minus strand). Cytogenetic location: 16q22.2.
Variant type: single nucleotide variant.
Coding change: c.6037A>G on transcript NM_001270974.2 (MANE Select); coding-DNA position 6037, A replaced by G.
Protein change: p.Ser2013Gly; replaces serine 2013 with glycine.
Molecular consequence: missense variant.
Genome position (GRCh38, 1-based): chr16:70,959,752, T>C on the plus strand (A>G on the coding strand, the complement: HYDIN is on the minus strand). VCF-style: chr16-70959752-T-C. GRCh37 (hg19) VCF-style: chr16-70993655-T-C.
Other names: short protein forms S2013G.
Identifiers: ClinVar variation 1049618 (VCV001049618.1), dbSNP rs2143946701, ClinGen allele CA396621021.

ClinVar aggregate classification (germline): Uncertain significance (0 of 4 stars; one submission).

Submission:

Department of Pathology and Laboratory Medicine, Sinai Health System
Classification: Uncertain significance. Review status: no assertion criteria provided. Collection method: clinical testing. Allele origin: unknown. Affected: yes. Study: The Canadian Open Genetics Repository (COGR).
Comment: The HYDIN p.Ser2013Gly variant was not identified in the literature nor was it identified in dbSNP, ClinVar or in the following control databases: the 1000 Genomes Project, the NHLBI GO Exome Sequencing Project, or the Genome Aggregation Database (March 6, 2019, v2.1.1). The p.Ser2013 residue is conserved in mammals but not in more distantly related organisms however computational analyses (PolyPhen-2, SIFT, AlignGVGD, BLOSUM, MutationTaster) do not suggest a high likelihood of impact to the protein; this information is not predictive enough to rule out pathogenicity. The variant occurs outside of the splicing consensus sequence and two of four in silico or computational prediction software programs (SpliceSiteFinder, MaxEntScan, NNSPLICE, GeneSplicer) predict a greater than 10% difference in splicing; this is not very predictive of pathogenicity. In summary, based on the above information the clinical significance of this variant cannot be determined with certainty at this time. This variant is classified as a variant of uncertain significance.